The following is an entry in ClinVar:

NM_002246.3(KCNK3):c.1123T>A (p.Ser375Thr)

Gene: KCNK3 (potassium two pore domain channel subfamily K member 3; plus strand). Cytogenetic location: 2p23.3.
Variant type: single nucleotide variant.
Coding change: c.1123T>A on transcript NM_002246.3 (MANE Select); coding-DNA position 1123, T replaced by A.
Protein change: p.Ser375Thr; replaces serine 375 with threonine.
Molecular consequence: missense variant.
Genome position (GRCh38, 1-based): chr2:26,728,506, T>A. VCF-style: chr2-26728506-T-A. GRCh37 (hg19) VCF-style: chr2-26951374-T-A.
Other names: short protein forms S375T.
Identifiers: ClinVar variation 3008454 (VCV003008454.3), dbSNP rs767302701, ClinGen allele CA1565609.

ClinVar aggregate classification (germline): Uncertain significance (1 of 4 stars; one submission).

Conditions:
Pulmonary hypertension, primary, 4. Identifiers: Orphanet 422, MedGen C3809198, MONDO:0014136, OMIM 615344.

Allele frequency attached by ClinVar (database versions not stated): gnomAD exomes below 0.00001; TOPMed below 0.00001; gnomAD 0.00001; ExAC 0.00004.
gnomAD v4.1: 2 of 1,524,588 alleles (0.00013%); highest among the groups gnomAD compares: African/African-American, 0.0028%; no homozygotes.

Submission:

Labcorp Genetics (formerly Invitae), Labcorp
Classification: Uncertain significance for Pulmonary hypertension, primary, 4. Last evaluated: 2023-07-22. Review status: criteria provided, single submitter. Criteria: Invitae Variant Classification Sherloc (09022015). Collection method: clinical testing. Allele origin: germline.
Comment: An algorithm developed to predict the effect of missense changes on protein structure and function (PolyPhen-2) suggests that this variant is likely to be tolerated. In summary, the available evidence is currently insufficient to determine the role of this variant in disease. Therefore, it has been classified as a Variant of Uncertain Significance. This sequence change replaces serine, which is neutral and polar, with threonine, which is neutral and polar, at codon 375 of the KCNK3 protein (p.Ser375Thr). This variant is present in population databases (rs767302701, gnomAD 0.01%). This variant has not been reported in the literature in individuals affected with KCNK3-related conditions.